The following is an entry in ClinVar:

NM_001077446.4(TSEN34):c.*688T>A

Gene: TSEN34 (tRNA splicing endonuclease subunit 34; plus strand). Cytogenetic location: 19q13.42.
Variant type: single nucleotide variant.
Coding change: c.*688T>A on transcript NM_001077446.4 (MANE Select); 688 bases downstream of the stop codon, T replaced by A.
Molecular consequence: 3 prime UTR variant.
Genome position (GRCh38, 1-based): chr19:54,194,050, T>A. VCF-style: chr19-54194050-T-A. GRCh37 (hg19) VCF-style: chr19-54697905-T-A.
Other names: c.*688T>A (NM_001282332.2, NM_001386740.1, NM_024075.5); c.*379T>A (NM_001282333.2).
Identifiers: ClinVar variation 330139 (VCV000330139.5), dbSNP rs115025822, ClinGen allele CA309377438.

ClinVar aggregate classification (germline): Benign (1 of 4 stars; one submission).

Conditions:
Pontoneocerebellar hypoplasia. Also called: Pontocerebellar hypoplasia; Non-syndromic pontocerebellar hypoplasia. Identifiers: Orphanet 98523, MedGen C1261175, MONDO:0020135.

Allele frequency attached by ClinVar (database versions not stated): gnomAD exomes 0.00099; gnomAD 0.01221 and 0.01302; 1000 Genomes Project 0.01278; 1000 Genomes Project 30x 0.01280; TOPMed 0.01352.
gnomAD v4.1: 1,851 of 182,218 alleles (1%); highest among the groups gnomAD compares: African/African-American, 4.2%; 44 homozygotes.

Submission:

Illumina Laboratory Services, Illumina
Classification: Benign for Pontoneocerebellar hypoplasia. Last evaluated: 2018-01-12. Review status: criteria provided, single submitter. Criteria: ICSL Variant Classification Criteria 13 December 2019. Collection method: clinical testing. Allele origin: germline.
Comment: This variant was observed in the ICSL laboratory as part of a predisposition screen in an ostensibly healthy population. It had not been previously curated by ICSL or reported in the Human Gene Mutation Database (HGMD: prior to June 1st, 2018), and was therefore a candidate for classification through an automated scoring system. Utilizing variant allele frequency, disease prevalence and penetrance estimates, and inheritance mode, an automated score was calculated to assess if this variant is too frequent to cause the disease. Based on the score and internal cut-off values, a variant classified as benign is not then subjected to further curation. The score for this variant resulted in a classification of benign for this disease.